The following is an entry in ClinVar:

ClinVar aggregate classification (germline): Pathogenic (1 of 4 stars; one submission).

Conditions:
Hereditary cancer-predisposing syndrome. Also called: Hereditary Cancer Syndrome; Neoplastic Syndromes, Hereditary; Tumor predisposition; Hereditary neoplastic syndrome. Identifiers: Orphanet 140162, MedGen C0027672, MeSH D009386, MONDO:0015356.

Submission:

Ambry Genetics
Classification: Pathogenic for Hereditary cancer-predisposing syndrome. Last evaluated: 2021-03-03. Review status: criteria provided, single submitter. Criteria: Ambry Variant Classification Scheme 2023. Collection method: clinical testing. Allele origin: germline.
Comment: The p.Y161* pathogenic mutation (also known as c.483T>G), located in coding exon 4 of the POT1 gene, results from a T to G substitution at nucleotide position 483. This changes the amino acid from a tyrosine to a stop codon within coding exon 4. This alteration is expected to result in loss of function by premature protein truncation or nonsense-mediated mRNA decay. As such, this alteration is interpreted as a disease-causing mutation.

NM_015450.3(POT1):c.483T>G (p.Tyr161Ter)

Gene: POT1 (protection of telomeres 1; minus strand). Cytogenetic location: 7q31.33.
Variant type: single nucleotide variant.
Coding change: c.483T>G on transcript NM_015450.3 (MANE Select); coding-DNA position 483, T replaced by G.
Protein change: p.Tyr161Ter; replaces tyrosine 161 with a stop codon.
Molecular consequence: nonsense. On other transcripts: non-coding transcript variant (3).
Genome position (GRCh38, 1-based): chr7:124,863,413, A>C on the plus strand (T>G on the coding strand, the complement: POT1 is on the minus strand). VCF-style: chr7-124863413-A-C. GRCh37 (hg19) VCF-style: chr7-124503467-A-C.
Other names: c.90T>G, p.Tyr30Ter (NM_001042594.2); short protein forms Y30*, Y161*.
Identifiers: ClinVar variation 1743502 (VCV001743502.2), dbSNP rs2485479761, ClinGen allele CA369058971.